The following is an entry in ClinVar:

ClinVar aggregate classification (germline): Likely benign (1 of 4 stars; one submission).

Allele frequency attached by ClinVar (database versions not stated): 1000 Genomes Project 0.01298; 1000 Genomes Project 30x 0.01327; TOPMed 0.01069.
gnomAD v4.1: 1,826 of 519,160 alleles (0.35%); highest among the groups gnomAD compares: African/African-American, 3.1%; 27 homozygotes.

Submission:

GeneDx
Classification: Likely benign. Last evaluated: 2018-06-14. Review status: criteria provided, single submitter. Criteria: GeneDx Variant Classification (06012015). Collection method: clinical testing. Allele origin: germline. Affected: yes.
Comment: This variant is considered likely benign or benign based on one or more of the following criteria: it is a conservative change, it occurs at a poorly conserved position in the protein, it is predicted to be benign by multiple in silico algorithms, and/or has population frequency not consistent with disease.

NM_133259.4(LRPPRC):c.3900+193G>T

Gene: LRPPRC (leucine rich pentatricopeptide repeat containing; minus strand). Cytogenetic location: 2p21.
Variant type: single nucleotide variant.
Coding change: c.3900+193G>T on transcript NM_133259.4 (MANE Select); 193 bases into the intron after coding-DNA position 3900, G replaced by T.
Molecular consequence: intron variant.
Genome position (GRCh38, 1-based): chr2:43,896,441, C>A on the plus strand (G>T on the coding strand, the complement: LRPPRC is on the minus strand). VCF-style: chr2-43896441-C-A. GRCh37 (hg19) VCF-style: chr2-44123580-C-A.
Identifiers: ClinVar variation 672557 (VCV000672557.1), dbSNP rs116104003, ClinGen allele CA46503769.
Genomic context (GRCh38, chr2:43,896,441, plus strand): 5'-TTTTTTAAGGGCCTTTTCTTGGGGCTCTCAATGCATACCTGTGTAAGTGGAAAATTCCTG[C>A]GTGAACTTGTTTTACATTTCCAGTACAGCTAACAGACGACAAAACTGACTCTAAGTAGAG-3'